The following is an entry in ClinVar:

NM_001039660.2(IL18BP):c.31C>T (p.Leu11Phe)

Gene: IL18BP (interleukin 18 binding protein; plus strand). Cytogenetic location: 11q13.4.
Variant type: single nucleotide variant.
Coding change: c.31C>T on transcript NM_001039660.2 (MANE Select); coding-DNA position 31, C replaced by T.
Protein change: p.Leu11Phe; replaces leucine 11 with phenylalanine.
Molecular consequence: missense variant.
Genome position (GRCh38, 1-based): chr11:72,000,353, C>T. VCF-style: chr11-72000353-C-T. GRCh37 (hg19) VCF-style: chr11-71711399-C-T.
Other names: c.31C>T, p.Leu11Phe (NM_001039659.2, NM_001145055.1, NM_001145057.1 and 3 more transcripts); short protein forms L11F.
Identifiers: ClinVar variation 1973999 (VCV001973999.6), dbSNP rs768254158, ClinGen allele CA6166090.

ClinVar aggregate classification (germline): Uncertain significance. Review status: criteria provided, multiple submitters, no conflicts (2 of 4 stars). 2 submissions from 2 submitters: Uncertain significance (2). Last evaluated 2023-09-25.

Allele frequency attached by ClinVar (database versions not stated): gnomAD exomes 0.00001; gnomAD 0.00002; TOPMed 0.00002; ExAC 0.00003.
gnomAD v4.1: 11 of 1,613,698 alleles (0.00068%); highest among the groups gnomAD compares: East Asian, 0.022%; no homozygotes.

Submissions (2):

Ambry Genetics
Classification: Uncertain significance. Last evaluated: 2023-09-25. Review status: criteria provided, single submitter. Criteria: Ambry Variant Classification Scheme 2023. Collection method: clinical testing. Allele origin: germline.

Labcorp Genetics (formerly Invitae), Labcorp
Classification: Uncertain significance. Last evaluated: 2022-07-13. Review status: criteria provided, single submitter. Criteria: Invitae Variant Classification Sherloc (09022015). Collection method: clinical testing. Allele origin: germline.
Comment: In summary, the available evidence is currently insufficient to determine the role of this variant in disease. Therefore, it has been classified as a Variant of Uncertain Significance. Algorithms developed to predict the effect of missense changes on protein structure and function (SIFT, PolyPhen-2, Align-GVGD) all suggest that this variant is likely to be tolerated. This variant has not been reported in the literature in individuals affected with IL18BP-related conditions. This variant is present in population databases (rs768254158, gnomAD 0.05%). This sequence change replaces leucine, which is neutral and non-polar, with phenylalanine, which is neutral and non-polar, at codon 11 of the IL18BP protein (p.Leu11Phe).